The following is an entry in ClinVar:

NM_001164508.2(NEB):c.5337G>A (p.Met1779Ile)

Gene: NEB (nebulin; minus strand). Cytogenetic location: 2q23.3.
Variant type: single nucleotide variant.
Coding change: c.5337G>A on transcript NM_001164508.2 (MANE Select); coding-DNA position 5337, G replaced by A.
Protein change: p.Met1779Ile; replaces methionine 1779 with isoleucine.
Molecular consequence: missense variant.
Genome position (GRCh38, 1-based): chr2:151,664,765, C>T on the plus strand (G>A on the coding strand, the complement: NEB is on the minus strand). VCF-style: chr2-151664765-C-T. GRCh37 (hg19) VCF-style: chr2-152521279-C-T.
Other names: c.5337G>A, p.Met1779Ile (NM_001164507.2, NM_001271208.2, NM_004543.5); short protein forms M1779I.
Identifiers: ClinVar variation 2913493 (VCV002913493.2), dbSNP rs2099190577, ClinGen allele CA348811265.

ClinVar aggregate classification (germline): Uncertain significance (1 of 4 stars; one submission).

Conditions:
Nemaline myopathy 2 (NEM2). Also called: Nemaline myopathy 2, autosomal recessive. Identifiers: MedGen C1850569, MONDO:0009725, OMIM 256030.

Allele frequency attached by ClinVar (database versions not stated): gnomAD exomes below 0.00001; TOPMed below 0.00001.

Submission:

Labcorp Genetics (formerly Invitae), Labcorp
Classification: Uncertain significance for Nemaline myopathy 2. Last evaluated: 2023-11-02. Review status: criteria provided, single submitter. Criteria: Invitae Variant Classification Sherloc (09022015). Collection method: clinical testing. Allele origin: germline.
Comment: This sequence change replaces methionine, which is neutral and non-polar, with isoleucine, which is neutral and non-polar, at codon 1779 of the NEB protein (p.Met1779Ile). This variant is not present in population databases (gnomAD no frequency). This variant has not been reported in the literature in individuals affected with NEB-related conditions. Experimental studies and prediction algorithms are not available or were not evaluated, and the functional significance of this variant is currently unknown. In summary, the available evidence is currently insufficient to determine the role of this variant in disease. Therefore, it has been classified as a Variant of Uncertain Significance.